The following is an entry in ClinVar:

ClinVar aggregate classification (germline): Pathogenic. Review status: criteria provided, multiple submitters, no conflicts (2 of 4 stars). 2 submissions from 2 submitters: Pathogenic (2). Last evaluated 2024-03-12.

Conditions:
Ataxia-telangiectasia syndrome (AT). Also called: LOUIS-BAR SYNDROME; Cerebello-oculocutaneous telangiectasia; Immunodeficiency with ataxia telangiectasia; Ataxia-telangiectasia, complementation group E; Ataxia-telangiectasia, complementation group D; AT, COMPLEMENTATION GROUP C. Identifiers: Orphanet 100, MedGen C0004135, MONDO:0008840, OMIM 208900.
Hereditary cancer-predisposing syndrome. Also called: Hereditary Cancer Syndrome; Hereditary neoplastic syndrome; Neoplastic Syndromes, Hereditary; Tumor predisposition. Identifiers: Orphanet 140162, MedGen C0027672, MeSH D009386, MONDO:0015356.

Submissions (2):

Labcorp Genetics (formerly Invitae), Labcorp
Classification: Pathogenic for Ataxia-telangiectasia syndrome. Last evaluated: 2024-03-12. Review status: criteria provided, single submitter. Criteria: Invitae Variant Classification Sherloc (09022015). Collection method: clinical testing. Allele origin: germline.
Comment: This sequence change creates a premature translational stop signal (p.Glu2245*) in the ATM gene. It is expected to result in an absent or disrupted protein product. Loss-of-function variants in ATM are known to be pathogenic (PMID: 23807571, 25614872). This variant is not present in population databases (gnomAD no frequency). This variant has not been reported in the literature in individuals affected with ATM-related conditions. ClinVar contains an entry for this variant (Variation ID: 2587772). RNA analysis performed to evaluate the impact of this premature translational stop signal on mRNA splicing indicates it does not significantly alter splicing (Invitae). For these reasons, this variant has been classified as Pathogenic.

Ambry Genetics
Classification: Pathogenic for Hereditary cancer-predisposing syndrome. Last evaluated: 2023-07-03. Review status: criteria provided, single submitter. Criteria: Ambry Variant Classification Scheme 2023. Collection method: clinical testing. Allele origin: germline.
Comment: The p.E2245* pathogenic mutation (also known as c.6733G>T), located in coding exon 45 of the ATM gene, results from a G to T substitution at nucleotide position 6733. This changes the amino acid from a glutamic acid to a stop codon within coding exon 45. This variant is considered to be rare based on population cohorts in the Genome Aggregation Database (gnomAD). This alteration is expected to result in loss of function by premature protein truncation or nonsense-mediated mRNA decay. As such, this alteration is interpreted as a disease-causing mutation.

Literature cited by the submitters: PubMed 23807571 (cited by Labcorp Genetics (formerly Invitae), Labcorp); PubMed 25614872 (cited by Labcorp Genetics (formerly Invitae), Labcorp).

NM_000051.4(ATM):c.6733G>T (p.Glu2245Ter)

Genes: ATM (ATM serine/threonine kinase; plus strand), C11orf65 (chromosome 11 open reading frame 65; minus strand). Cytogenetic location: 11q22.3.
Variant type: single nucleotide variant.
Coding change: c.6733G>T on transcript NM_000051.4 (MANE Select); coding-DNA position 6733, G replaced by T.
Protein change: p.Glu2245Ter; replaces glutamic acid 2245 with a stop codon.
Molecular consequence: nonsense. On other transcripts: intron variant (2).
Genome position (GRCh38, 1-based): chr11:108,325,470, G>T. VCF-style: chr11-108325470-G-T. GRCh37 (hg19) VCF-style: chr11-108196197-G-T.
Other names: c.6733G>T, p.Glu2245Ter (NM_001351834.2); c.641-16399C>A (NM_001330368.2); c.*38+9750C>A (NM_001351110.2); short protein forms E2245*.
Identifiers: ClinVar variation 2587772 (VCV002587772.4), dbSNP rs2085572299, ClinGen allele CA382555147.